The following is an entry in ClinVar:

ClinVar aggregate classification (germline): Conflicting classifications of pathogenicity. Review status: criteria provided, conflicting classifications (1 of 4 stars). 2 submissions from 2 submitters: Uncertain significance (1); Likely benign (1). Last evaluated 2025-02-05.

Conditions:
Arthrogryposis, distal, type 1B. Identifiers: Orphanet 1146, MedGen C3280526, MONDO:0013698, OMIM 614335.
MYBPC1-related disorder. Also called: MYBPC1-related condition.

Allele frequency attached by ClinVar (database versions not stated): gnomAD 0.00002 and 0.00003; gnomAD exomes 0.00002; TOPMed 0.00002.
gnomAD v4.1: 31 of 1,614,032 alleles (0.0019%); highest among the groups gnomAD compares: Admixed American, 0.005%; no homozygotes.

Submissions (2):

PreventionGenetics, part of Exact Sciences
Classification: Likely benign for MYBPC1-related condition. Last evaluated: 2025-02-05. Review status: criteria provided, single submitter. Criteria: ACMG Guidelines, 2015. Collection method: clinical testing. Allele origin: germline.
Comment: This variant is classified as likely benign based on ACMG/AMP sequence variant interpretation guidelines (Richards et al. 2015 PMID: 25741868, with internal and published modifications).

Illumina Laboratory Services, Illumina
Classification: Uncertain significance for Arthrogryposis, distal, type 1B. Last evaluated: 2018-01-13. Review status: criteria provided, single submitter. Criteria: ICSL Variant Classification Criteria 13 December 2019. Collection method: clinical testing. Allele origin: germline.

NM_002465.4(MYBPC1):c.309A>T (p.Ile103=)

Gene: MYBPC1 (myosin binding protein C1; plus strand). Cytogenetic location: 12q23.2.
Variant type: single nucleotide variant.
Coding change: c.309A>T on transcript NM_002465.4 (MANE Select); coding-DNA position 309, A replaced by T.
Protein change: p.Ile103=; no amino-acid change (isoleucine 103 retained).
Molecular consequence: synonymous variant.
Genome position (GRCh38, 1-based): chr12:101,631,590, A>T. VCF-style: chr12-101631590-A-T. GRCh37 (hg19) VCF-style: chr12-102025368-A-T.
Other names: c.234A>T, p.Ile78= (NM_001254718.3, NM_001254719.3, NM_001254721.3 and 4 more transcripts); c.198A>T, p.Ile66= (NM_001254720.3); c.156A>T, p.Ile52= (NM_001254722.3, NM_001404677.1, NM_001404679.1 and 2 more transcripts); c.195A>T, p.Ile65= (NM_001254723.3); c.309A>T, p.Ile103= (NM_001404675.1, NM_206819.4).
Identifiers: ClinVar variation 306720 (VCV000306720.8), dbSNP rs886048829, ClinGen allele CA10640600.
Genomic context (GRCh38, chr12:101,631,590, plus strand): 5'-GCTTGTTAAAGAGCAAGCTGAATCCCTTATGCTTCTTCTAGGTGAAGATATCACCTTCAT[A>T]GCCAAAGTCAAGGCTGAAGATCTTCTGAGAAAACCCACTATCAAATGGTTCAAAGGAAAA-3'
Protein context (NP_002456.2, residues 93-113): TVKVGEDITF[Ile103=]AKVKAEDLLR